The following is an entry in ClinVar:

NM_031857.2(PCDHA9):c.1288G>C (p.Gly430Arg)

Genes: PCDHA1 (protocadherin alpha 1; plus strand), PCDHA2 (protocadherin alpha 2; plus strand), PCDHA3 (protocadherin alpha 3; plus strand), PCDHA4 (protocadherin alpha 4; plus strand), PCDHA5 (protocadherin alpha 5; plus strand) and 5 more. Cytogenetic location: 5q31.3.
Variant type: single nucleotide variant.
Coding change: c.1288G>C on transcript NM_031857.2 (MANE Select); coding-DNA position 1288, G replaced by C.
Protein change: p.Gly430Arg; replaces glycine 430 with arginine.
Molecular consequence: missense variant. On other transcripts: intron variant (10).
Genome position (GRCh38, 1-based): chr5:140,849,783, G>C. VCF-style: chr5-140849783-G-C. GRCh37 (hg19) VCF-style: chr5-140229368-G-C.
Other names: c.1288G>C, p.Gly430Arg (NM_014005.5); c.2394+61099G>C (NM_018900.4); c.1602+61891G>C (NM_031411.3); c.2388+52431G>C (NM_018905.3); c.2394+46192G>C (NM_018906.3); c.2385+40211G>C (NM_018907.4); c.2352+25656G>C (NM_018908.3); c.2394+19298G>C (NM_018909.4); and 3 more; short protein forms G430R.
Identifiers: ClinVar variation 3059481 (VCV003059481.2), dbSNP rs251355, ClinGen allele CA3450406.
Genomic context (GRCh38, chr5:140,849,783, plus strand): 5'-GACAGAGCTCTGGACCGCGAGAGTGTGTCCGCCTACGAGCTGGTGGTTACCGCGCGGGAC[G>C]GGGGCTCGCCTTCACTGTGGGCCACGGCCAGGGTGTCTGTGGAGGTGGCCGACGTGAACG-3'
Protein context (NP_114063.1, residues 420-440): AYELVVTARD[Gly430Arg]GSPSLWATAR

ClinVar aggregate classification (germline): Likely benign (0 of 4 stars; one submission).

Conditions:
PCDHA9-related disorder. Also called: PCDHA9-related condition.

Allele frequency attached by ClinVar (database versions not stated): 1000 Genomes Project 30x 0.44613; gnomAD exomes 0.52779; gnomAD 0.46269.
gnomAD v4.1: 832,668 of 1,597,604 alleles (52%); highest among the groups gnomAD compares: South Asian, 62%; 253,297 homozygotes.

Submission:

PreventionGenetics, part of Exact Sciences
Classification: Likely benign for PCDHA9-related condition. Last evaluated: 2020-09-24. Review status: no assertion criteria provided. Collection method: clinical testing. Allele origin: germline.
Comment: This variant is classified as likely benign based on ACMG/AMP sequence variant interpretation guidelines (Richards et al. 2015 PMID: 25741868, with internal and published modifications).